The following is an entry in ClinVar:

NM_001379200.1(TBX1):c.1419_1421dup (p.Ala485_Asn486insAla)

Gene: TBX1 (T-box transcription factor 1; plus strand). Cytogenetic location: 22q11.21.
Variant type: Duplication.
Coding change: c.1419_1421dup on transcript NM_001379200.1 (MANE Select); coding-DNA positions 1419 to 1421, 3 bases duplicated (GGC; older notation c.1419_1421dupGGC).
Protein change: p.Ala485_Asn486insAla.
Molecular consequence: inframe insertion. On other transcripts: intron variant (2).
Genome position (GRCh38, 1-based): chr22:19,766,771-19,766,773, GGC duplicated; duplicating any 3 consecutive bases within chr22:19,766,769-19,766,773 gives the same sequence; the c. name uses the placement nearest the transcript's 3' end. VCF-style (leftmost placement, unchanged base first): chr22-19766768-C-CGCG. GRCh37 (hg19) VCF-style: chr22-19754291-C-CGCG.
Other names: c.1392_1394dup, p.Ala476_Asn477insAla (NM_080647.1); c.1009+769_1009+771dup (NM_005992.1, NM_080646.2).
Identifiers: ClinVar variation 2202041 (VCV002202041.4), dbSNP rs1936870942, ClinGen allele CA2396032532.

ClinVar aggregate classification (germline): Uncertain significance (1 of 4 stars; one submission).

Conditions:
DiGeorge syndrome. Also called: Catch22; THIRD AND FOURTH PHARYNGEAL POUCH SYNDROME. Identifiers: Orphanet 567, MedGen C0012236, MONDO:0008564, OMIM 188400.

Submission:

Labcorp Genetics (formerly Invitae), Labcorp
Classification: Uncertain significance for DiGeorge syndrome. Last evaluated: 2022-04-04. Review status: criteria provided, single submitter. Criteria: Invitae Variant Classification Sherloc (09022015). Collection method: clinical testing. Allele origin: germline.
Comment: This variant has not been reported in the literature in individuals affected with TBX1-related conditions. In summary, the available evidence is currently insufficient to determine the role of this variant in disease. Therefore, it has been classified as a Variant of Uncertain Significance. This variant is not present in population databases (gnomAD no frequency). This variant, c.1392_1394dup, results in the insertion of 1 amino acid(s) of the TBX1 protein (p.Ala476dup), but otherwise preserves the integrity of the reading frame.